The following is an entry in ClinVar:

NM_001039591.3(USP9X):c.683T>G (p.Phe228Cys)

Gene: USP9X (ubiquitin specific peptidase 9 X-linked; plus strand). Cytogenetic location: Xp11.4.
Variant type: single nucleotide variant.
Coding change: c.683T>G on transcript NM_001039591.3 (MANE Select); coding-DNA position 683, T replaced by G.
Protein change: p.Phe228Cys; replaces phenylalanine 228 with cysteine.
Molecular consequence: missense variant.
Genome position (GRCh38, 1-based): chrX:41,140,684, T>G. VCF-style: chrX-41140684-T-G. GRCh37 (hg19) VCF-style: chrX-40999937-T-G.
Other names: c.683T>G, p.Phe228Cys (NM_001039590.3, NM_001410748.1, NM_001410749.1); short protein forms F228C.
Identifiers: ClinVar variation 2694467 (VCV002694467.3), dbSNP rs2519130001, ClinGen allele CA412765215.

ClinVar aggregate classification (germline): Uncertain significance (1 of 4 stars; one submission).

Submission:

Labcorp Genetics (formerly Invitae), Labcorp
Classification: Uncertain significance. Last evaluated: 2024-09-06. Review status: criteria provided, single submitter. Criteria: Invitae Variant Classification Sherloc (09022015). Collection method: clinical testing. Allele origin: germline.
Comment: This sequence change replaces phenylalanine, which is neutral and non-polar, with cysteine, which is neutral and slightly polar, at codon 228 of the USP9X protein (p.Phe228Cys). This variant is not present in population databases (gnomAD no frequency). This variant has not been reported in the literature in individuals affected with USP9X-related conditions. An algorithm developed to predict the effect of missense changes on protein structure and function (PolyPhen-2) suggests that this variant is likely to be disruptive. In summary, the available evidence is currently insufficient to determine the role of this variant in disease. Therefore, it has been classified as a Variant of Uncertain Significance.